The following is an entry in ClinVar:

NM_024741.3(ZNF408):c.979G>C (p.Ala327Pro)

Gene: ZNF408 (zinc finger protein 408; plus strand). Cytogenetic location: 11p11.2.
Variant type: single nucleotide variant.
Coding change: c.979G>C on transcript NM_024741.3 (MANE Select); coding-DNA position 979, G replaced by C.
Protein change: p.Ala327Pro; replaces alanine 327 with proline.
Molecular consequence: missense variant.
Genome position (GRCh38, 1-based): chr11:46,704,679, G>C. VCF-style: chr11-46704679-G-C. GRCh37 (hg19) VCF-style: chr11-46726229-G-C.
Other names: c.955G>C, p.Ala319Pro (NM_001184751.2); short protein forms A327P, A319P.
Identifiers: ClinVar variation 1374456 (VCV001374456.6), dbSNP rs371436935, ClinGen allele CA380254584.
Genomic context (GRCh38, chr11:46,704,679, plus strand): 5'-AAGAAGTTACACAGCCCCAGTGATCAGTGCCCACCCAGAGCAAAGACCCCAGAGCCTGGA[G>C]CCCAGCAGTCTGGCTTCCCTACACTCTCGCGGAGCCCTCCTGGCCCAGCAGGAAGCTCCC-3'
Protein context (NP_079017.1, residues 317-337): PPRAKTPEPG[Ala327Pro]QQSGFPTLSR

ClinVar aggregate classification (germline): Uncertain significance (1 of 4 stars; one submission).

gnomAD v4.1: 2 of 1,613,282 alleles (0.00012%); highest among the groups gnomAD compares: Non-Finnish European, 0.00017%; no homozygotes.

Submission:

Labcorp Genetics (formerly Invitae), Labcorp
Classification: Uncertain significance. Last evaluated: 2022-08-31. Review status: criteria provided, single submitter. Criteria: Invitae Variant Classification Sherloc (09022015). Collection method: clinical testing. Allele origin: germline.
Comment: This variant is not present in population databases (gnomAD no frequency). In summary, the available evidence is currently insufficient to determine the role of this variant in disease. Therefore, it has been classified as a Variant of Uncertain Significance. Algorithms developed to predict the effect of missense changes on protein structure and function output the following: SIFT: "Deleterious"; PolyPhen-2: "Benign"; Align-GVGD: "Class C0". The proline amino acid residue is found in multiple mammalian species, which suggests that this missense change does not adversely affect protein function. ClinVar contains an entry for this variant (Variation ID: 1374456). This variant has not been reported in the literature in individuals affected with ZNF408-related conditions. This sequence change replaces alanine, which is neutral and non-polar, with proline, which is neutral and non-polar, at codon 327 of the ZNF408 protein (p.Ala327Pro).